The following is an entry in ClinVar:

ClinVar aggregate classification (germline): Likely pathogenic (1 of 4 stars; one submission).

Conditions:
ALG6-congenital disorder of glycosylation 1C (CDG1C). Also called: CARBOHYDRATE-DEFICIENT GLYCOPROTEIN SYNDROME, TYPE I, WITH DEFICIENT GLYCOSYLATION OF DOLICHOL-LINKED OLIGOSACCHARIDE; CARBOHYDRATE-DEFICIENT GLYCOPROTEIN SYNDROME, TYPE V; CDG Ic; Congenital disorder of glycosylation, type Ic; Congenital disorder of glycosylation type 1C. Identifiers: Orphanet 79320, MedGen C2930997, MONDO:0011291, OMIM 603147.

Submission:

Labcorp Genetics (formerly Invitae), Labcorp
Classification: Likely pathogenic for ALG6-congenital disorder of glycosylation 1C. Last evaluated: 2023-09-01. Review status: criteria provided, single submitter. Criteria: Invitae Variant Classification Sherloc (09022015). Collection method: clinical testing. Allele origin: germline.
Comment: In summary, the currently available evidence indicates that the variant is pathogenic, but additional data are needed to prove that conclusively. Therefore, this variant has been classified as Likely Pathogenic. Algorithms developed to predict the effect of sequence changes on RNA splicing suggest that this variant may disrupt the consensus splice site. This variant has not been reported in the literature in individuals affected with ALG6-related conditions. This variant is not present in population databases (gnomAD no frequency). This sequence change affects a donor splice site in intron 6 of the ALG6 gene. It is expected to disrupt RNA splicing. Variants that disrupt the donor or acceptor splice site typically lead to a loss of protein function (PMID: 16199547), and loss-of-function variants in ALG6 are known to be pathogenic (PMID: 19862844).

Literature cited by the submitters: PubMed 16199547; PubMed 19862844.

NM_013339.4(ALG6):c.429+1G>A

Gene: ALG6 (ALG6 alpha-1,3-glucosyltransferase; plus strand). Cytogenetic location: 1p31.3.
Variant type: single nucleotide variant.
Coding change: c.429+1G>A on transcript NM_013339.4 (MANE Select); the canonical splice donor site of the intron after coding-DNA position 429, G replaced by A.
Molecular consequence: splice donor variant.
Genome position (GRCh38, 1-based): chr1:63,406,400, G>A. VCF-style: chr1-63406400-G-A. GRCh37 (hg19) VCF-style: chr1-63872071-G-A.
Identifiers: ClinVar variation 2757224 (VCV002757224.3), dbSNP rs781097055, ClinGen allele CA340634648.
Genomic context (GRCh38, chr1:63,406,400, plus strand): 5'-TACATACCTGCAGTGGTTTTGTACTGTTGTTGCTTAAAAGAAATCTCAACTAAGAAAAAG[G>A]TAGGTTTTCAAGCAGCCTGACAGTTCGTCTCTGAAATGTATTCTTTATTAGTCTAACTAT-3'